The following is an entry in ClinVar:

ClinVar aggregate classification (germline): Likely benign. Review status: criteria provided, multiple submitters, no conflicts (2 of 4 stars). 3 submissions from 3 submitters: Likely benign (2). 1 of the submissions does not count toward it. Last evaluated 2026-01-19.

Conditions:
Inborn genetic diseases. Identifiers: MedGen C0950123, MeSH D030342.
LTBP3-related disorder. Also called: LTBP3-related condition.
Brachyolmia-amelogenesis imperfecta syndrome. Also called: Tooth agenesis, selective, 6; Dental anomalies and short stature; PLATYSPONDYLY WITH AMELOGENESIS IMPERFECTA. Identifiers: Orphanet 2899, MedGen C1832594, MONDO:0011018, OMIM 601216. Disease mechanism: loss of function.

Allele frequency attached by ClinVar (database versions not stated): gnomAD exomes 0.00006 and 0.00011; ExAC 0.00007; TOPMed 0.00008; gnomAD 0.00011; ESP Exome Variant Server 0.00031.
gnomAD v4.1: 168 of 1,614,048 alleles (0.01%); highest among the groups gnomAD compares: Non-Finnish European, 0.013%; no homozygotes.

Submissions (3):

Labcorp Genetics (formerly Invitae), Labcorp
Classification: Likely benign for Brachyolmia-amelogenesis imperfecta syndrome. Last evaluated: 2026-01-19. Review status: criteria provided, single submitter. Criteria: Invitae Variant Classification Sherloc (09022015). Collection method: clinical testing. Allele origin: germline.

Ambry Genetics
Classification: Likely benign for Inborn genetic diseases. Last evaluated: 2022-10-07. Review status: criteria provided, single submitter. Criteria: Ambry Variant Classification Scheme 2023. Collection method: clinical testing. Allele origin: germline.

PreventionGenetics, part of Exact Sciences
Classification: Likely benign for LTBP3-related condition. Last evaluated: 2020-02-17. Review status: no assertion criteria provided. Collection method: clinical testing. Allele origin: germline. Not counted in ClinVar's aggregate classification.
Comment: This variant is classified as likely benign based on ACMG/AMP sequence variant interpretation guidelines (Richards et al. 2015 PMID: 25741868, with internal and published modifications).

NM_001130144.3(LTBP3):c.1101T>C (p.His367=)

Gene: LTBP3 (latent transforming growth factor beta binding protein 3; minus strand). Cytogenetic location: 11q13.1.
Variant type: single nucleotide variant.
Coding change: c.1101T>C on transcript NM_001130144.3 (MANE Select); coding-DNA position 1101, T replaced by C.
Protein change: p.His367=; no amino-acid change (histidine 367 retained).
Molecular consequence: synonymous variant.
Genome position (GRCh38, 1-based): chr11:65,552,945, A>G on the plus strand (T>C on the coding strand, the complement: LTBP3 is on the minus strand). VCF-style: chr11-65552945-A-G. GRCh37 (hg19) VCF-style: chr11-65320416-A-G.
Other names: c.750T>C, p.His250= (NM_001164266.1); c.1101T>C, p.His367= (NM_021070.4).
Identifiers: ClinVar variation 1547951 (VCV001547951.12), dbSNP rs138668677, ClinGen allele CA6101064.
Genomic context (GRCh38, chr11:65,552,945, plus strand): 5'-TAAACTATGGCCAGGTGGGCAGACACAGCGATAGGAGCCAGGGTTGTTGAGGCAGTCACC[A>G]TGGCGACACACGCCCGGCATTGCGCACTCGTTGATGTCTGTGGTAAGTGGAAGTTTGGCC-3'
Protein context (NP_001123616.1, residues 357-377): NECAMPGVCR[His367=]GDCLNNPGSY